The following is an entry in ClinVar:

ClinVar aggregate classification (germline): Benign/Likely benign. Review status: criteria provided, multiple submitters, no conflicts (2 of 4 stars). 6 submissions from 6 submitters: Benign (2); Likely benign (4). Last evaluated 2026-05-01.

Conditions:
Neuropathy, hereditary sensory and autonomic, type 1C. Also called: HSAN IC; HSN IC. Identifiers: Orphanet 36386, MedGen C3150896, MONDO:0013337, OMIM 613640.
Inborn genetic diseases. Identifiers: MedGen C0950123, MeSH D030342.

Allele frequency attached by ClinVar (database versions not stated): gnomAD exomes 0.00014 and 0.00026; 1000 Genomes Project 30x 0.00016; ExAC 0.00019; 1000 Genomes Project 0.00020; ESP Exome Variant Server 0.00023; gnomAD 0.00050 and 0.00055; TOPMed 0.00054.
gnomAD v4.1: 313 of 1,614,168 alleles (0.019%); highest among the groups gnomAD compares: Middle Eastern, 0.13%; no homozygotes.

Submissions (6):

CeGaT Center for Human Genetics Tuebingen
Classification: Likely benign. Last evaluated: 2026-05-01. Review status: criteria provided, single submitter. Criteria: CeGaT Center For Human Genetics Tuebingen Variant Classification Criteria Version 2. Collection method: clinical testing. Allele origin: germline. Affected: yes. Observed: 1 variant allele.
Comment: SPTLC2: BP4, BP7

Labcorp Genetics (formerly Invitae), Labcorp
Classification: Likely benign for Neuropathy, hereditary sensory and autonomic, type 1C. Last evaluated: 2026-01-25. Review status: criteria provided, single submitter. Criteria: Invitae Variant Classification Sherloc (09022015). Collection method: clinical testing. Allele origin: germline.

ARUP Laboratories, Molecular Genetics and Genomics, ARUP Laboratories
Classification: Likely benign for Neuropathy, hereditary sensory and autonomic, type 1C. Last evaluated: 2024-09-17. Review status: criteria provided, single submitter. Criteria: ARUP Molecular Germline Variant Investigation Process 2024. Collection method: clinical testing. Allele origin: germline.

GeneDx
Classification: Benign. Last evaluated: 2020-04-06. Review status: criteria provided, single submitter. Criteria: GeneDx Variant Classification Process June 2021. Collection method: clinical testing. Allele origin: germline. Affected: yes.

Ambry Genetics
Classification: Likely benign for Inborn genetic diseases. Last evaluated: 2019-07-11. Review status: criteria provided, single submitter. Criteria: Ambry Variant Classification Scheme 2023. Collection method: clinical testing. Allele origin: germline.

Illumina Laboratory Services, Illumina
Classification: Benign for Neuropathy, hereditary sensory and autonomic, type 1C. Last evaluated: 2018-01-13. Review status: criteria provided, single submitter. Criteria: ICSL Variant Classification Criteria 13 December 2019. Collection method: clinical testing. Allele origin: germline.
Comment: This variant was observed in the ICSL laboratory as part of a predisposition screen in an ostensibly healthy population. It had not been previously curated by ICSL or reported in the Human Gene Mutation Database (HGMD: prior to June 1st, 2018), and was therefore a candidate for classification through an automated scoring system. Utilizing variant allele frequency, disease prevalence and penetrance estimates, and inheritance mode, an automated score was calculated to assess if this variant is too frequent to cause the disease. Based on the score and internal cut-off values, a variant classified as benign is not then subjected to further curation. The score for this variant resulted in a classification of benign for this disease.

NM_004863.4(SPTLC2):c.1239T>C (p.Pro413=)

Gene: SPTLC2 (serine palmitoyltransferase long chain base subunit 2; minus strand). Cytogenetic location: 14q24.3.
Variant type: single nucleotide variant.
Coding change: c.1239T>C on transcript NM_004863.4 (MANE Select); coding-DNA position 1239, T replaced by C.
Protein change: p.Pro413=; no amino-acid change (proline 413 retained).
Molecular consequence: synonymous variant.
Genome position (GRCh38, 1-based): chr14:77,552,160, A>G on the plus strand (T>C on the coding strand, the complement: SPTLC2 is on the minus strand). VCF-style: chr14-77552160-A-G. GRCh37 (hg19) VCF-style: chr14-78018503-A-G.
Identifiers: ClinVar variation 314670 (VCV000314670.22), dbSNP rs140041902, ClinGen allele CA7289227.